The following is an entry in ClinVar:

ClinVar aggregate classification (germline): Uncertain significance. Review status: criteria provided, multiple submitters, no conflicts (2 of 4 stars). 3 submissions from 3 submitters: Uncertain significance (3). Last evaluated 2025-01-14.

Conditions:
Cardiovascular phenotype. Identifiers: MedGen CN230736.
Long QT syndrome (LQTS). Identifiers: MedGen C0023976, MeSH D008133, MONDO:0002442. Disease mechanism: loss of function. Inheritance: Various modes of inheritance.

gnomAD v4.1: 12 of 1,614,234 alleles (0.00074%); highest among the groups gnomAD compares: South Asian, 0.0011%; no homozygotes.

Submissions (3):

Labcorp Genetics (formerly Invitae), Labcorp
Classification: Uncertain significance for Long QT syndrome. Last evaluated: 2025-01-14. Review status: criteria provided, single submitter. Criteria: Invitae Variant Classification Sherloc (09022015). Collection method: clinical testing. Allele origin: germline.
Comment: This sequence change replaces glycine, which is neutral and non-polar, with valine, which is neutral and non-polar, at codon 1025 of the ANK2 protein (p.Gly1025Val). This variant is present in population databases (rs773532854, gnomAD 0.002%). This variant has not been reported in the literature in individuals affected with ANK2-related conditions. ClinVar contains an entry for this variant (Variation ID: 386341). Invitae Evidence Modeling of protein sequence and biophysical properties (such as structural, functional, and spatial information, amino acid conservation, physicochemical variation, residue mobility, and thermodynamic stability) indicates that this missense variant is expected to disrupt ANK2 protein function with a positive predictive value of 80%. In summary, the available evidence is currently insufficient to determine the role of this variant in disease. Therefore, it has been classified as a Variant of Uncertain Significance.

Ambry Genetics
Classification: Uncertain significance for Cardiovascular phenotype. Last evaluated: 2023-07-15. Review status: criteria provided, single submitter. Criteria: Ambry Variant Classification Scheme 2023. Collection method: clinical testing. Allele origin: germline.
Comment: The p.G1025V variant (also known as c.3074G>T), located in coding exon 27 of the ANK2 gene, results from a G to T substitution at nucleotide position 3074. The glycine at codon 1025 is replaced by valine, an amino acid with dissimilar properties. This amino acid position is highly conserved in available vertebrate species. In addition, this alteration is predicted to be deleterious by in silico analysis. Since supporting evidence is limited at this time, the clinical significance of this alteration remains unclear.

GeneDx
Classification: Uncertain significance. Last evaluated: 2020-03-11. Review status: criteria provided, single submitter. Criteria: GeneDx Variant Classification Process June 2021. Collection method: clinical testing. Allele origin: germline. Affected: yes.
Comment: Has not been previously published as pathogenic or benign to our knowledge; Not observed at a significant frequency in large population cohorts (Lek et al., 2016); In silico analysis supports that this missense variant has a deleterious effect on protein structure/function

NM_001148.6(ANK2):c.3074G>T (p.Gly1025Val)

Gene: ANK2 (ankyrin 2; plus strand). Cytogenetic location: 4q26.
Variant type: single nucleotide variant.
Coding change: c.3074G>T on transcript NM_001148.6 (MANE Select); coding-DNA position 3074, G replaced by T.
Protein change: p.Gly1025Val; replaces glycine 1025 with valine.
Molecular consequence: missense variant.
Genome position (GRCh38, 1-based): chr4:113,330,419, G>T. VCF-style: chr4-113330419-G-T. GRCh37 (hg19) VCF-style: chr4-114251575-G-T.
Other names: c.3047G>T, p.Gly1016Val (NM_001127493.3); c.3086G>T, p.Gly1029Val (NM_001354225.2); c.2861G>T, p.Gly954Val (NM_001354269.3); c.3074G>T, p.Gly1025Val (NM_001354228.2, NM_001354258.2, NM_020977.5); c.2948G>T, p.Gly983Val (NM_001354270.2, NM_001354253.2); c.3152G>T, p.Gly1051Val (NM_001354230.2, NM_001354237.2); c.2888G>T, p.Gly963Val (NM_001354271.2, NM_001386151.1, NM_001354260.2); c.3116G>T, p.Gly1039Val (NM_001354231.2, NM_001354242.2); and 23 more; short protein forms G1016V, G1025V, G1003V, G1008V, G246V, G954V, G996V, G1004V.
Identifiers: ClinVar variation 386341 (VCV000386341.13), dbSNP rs773532854, ClinGen allele CA3050762.